The following is an entry in ClinVar:

NM_001267550.2(TTN):c.71260G>C (p.Asp23754His)

Genes: TTN (titin; minus strand), TTN-AS1 (TTN antisense RNA 1; plus strand). Cytogenetic location: 2q31.2.
Variant type: single nucleotide variant.
Coding change: c.71260G>C on transcript NM_001267550.2 (MANE Select); coding-DNA position 71260, G replaced by C.
Protein change: p.Asp23754His; replaces aspartic acid 23754 with histidine.
Molecular consequence: missense variant.
Genome position (GRCh38, 1-based): chr2:178,574,872, C>G on the plus strand (G>C on the coding strand, the complement: TTN is on the minus strand). VCF-style: chr2-178574872-C-G. GRCh37 (hg19) VCF-style: chr2-179439599-C-G.
Other names: c.66337G>C, p.Asp22113His (NM_001256850.1); c.44065G>C, p.Asp14689His (NM_003319.4); c.63556G>C, p.Asp21186His (NM_133378.4); c.44440G>C, p.Asp14814His (NM_133432.3); c.44641G>C, p.Asp14881His (NM_133437.4); short protein forms D14689H, D23754H, D21186H, D22113H, D14814H, D14881H.
Identifiers: ClinVar variation 519094 (VCV000519094.5), dbSNP rs985842925, ClinGen allele CA349658524.
Genomic context (GRCh38, chr2:178,574,872, plus strand): 5'-AGGTAGTACTGTCAGTCTGCCGCATTTCCACTACATAGTTGCTTATTGGTACACCACCAT[C>G]GTTCTCAGGTGGGTCCCAAGAGAAGGTTACAAAATCAGATGAAACTTCATCAAATTTGAT-3'
Protein context (NP_001254479.2, residues 23744-23764): VTFSWDPPEN[Asp23754His]GGVPISNYVV

ClinVar aggregate classification (germline): Uncertain significance (1 of 4 stars; one submission).

Conditions:
Cardiovascular phenotype. Identifiers: MedGen CN230736.

gnomAD v4.1: 4 of 1,612,838 alleles (0.00025%); highest among the groups gnomAD compares: Non-Finnish European, 0.00034%; no homozygotes.

Submission:

Ambry Genetics
Classification: Uncertain significance for Cardiovascular phenotype. Last evaluated: 2016-04-16. Review status: criteria provided, single submitter. Criteria: Ambry Variant Classification Scheme 2023. Collection method: clinical testing. Allele origin: germline.
Comment: The p.D14689H variant (also known as c.44065G>C), located in coding exon 153 of the TTN gene, results from a G to C substitution at nucleotide position 44065. The aspartic acid at codon 14689 is replaced by histidine, an amino acid with some similar properties, and is located in the A-band region of the titin protein. This variant was not reported in population based cohorts in the following databases: Database of Single Nucleotide Polymorphisms (dbSNP), NHLBI Exome Sequencing Project (ESP), and 1000 Genomes Project. In the ESP, this variant was not observed in 6047 samples (12094 alleles) with coverage at this position. This amino acid position is highly conserved in available vertebrate species. In addition, the in silico prediction for this alteration is inconclusive. Since supporting evidence is limited at this time, the clinical significance of this alteration remains unclear.